The following is an entry in ClinVar:

NM_145207.3(AFG2A):c.715G>C (p.Asp239His)

Gene: AFG2A (AAA ATPase AFG2A; plus strand). Cytogenetic location: 4q28.1.
Variant type: single nucleotide variant.
Coding change: c.715G>C on transcript NM_145207.3 (MANE Select); coding-DNA position 715, G replaced by C.
Protein change: p.Asp239His; replaces aspartic acid 239 with histidine.
Molecular consequence: missense variant.
Genome position (GRCh38, 1-based): chr4:122,934,306, G>C. VCF-style: chr4-122934306-G-C. GRCh37 (hg19) VCF-style: chr4-123855461-G-C.
Other names: c.712G>C, p.Asp238His (NM_001317799.2, NM_001345856.2); short protein forms D238H, D239H.
Identifiers: ClinVar variation 1460678 (VCV001460678.7), dbSNP rs2125737857, ClinGen allele CA358101889.

ClinVar aggregate classification (germline): Uncertain significance (1 of 4 stars; one submission).

Conditions:
Microcephaly-intellectual disability-sensorineural hearing loss-epilepsy-abnormal muscle tone syndrome (NEDHSB). Also called: NEURODEVELOPMENTAL DISORDER WITH HEARING LOSS, SEIZURES, AND BRAIN ABNORMALITIES. Identifiers: Orphanet 457351, MedGen C4225276, MONDO:0014698, OMIM 616577.

Submission:

Labcorp Genetics (formerly Invitae), Labcorp
Classification: Uncertain significance for Microcephaly-intellectual disability-sensorineural hearing loss-epilepsy-abnormal muscle tone syndrome. Last evaluated: 2024-10-15. Review status: criteria provided, single submitter. Criteria: Invitae Variant Classification Sherloc (09022015). Collection method: clinical testing. Allele origin: germline.
Comment: This sequence change replaces aspartic acid, which is acidic and polar, with histidine, which is basic and polar, at codon 239 of the SPATA5 protein (p.Asp239His). This variant is not present in population databases (gnomAD no frequency). This variant has not been reported in the literature in individuals affected with SPATA5-related conditions. ClinVar contains an entry for this variant (Variation ID: 1460678). Invitae Evidence Modeling of protein sequence and biophysical properties (such as structural, functional, and spatial information, amino acid conservation, physicochemical variation, residue mobility, and thermodynamic stability) indicates that this missense variant is not expected to disrupt SPATA5 protein function with a negative predictive value of 80%. In summary, the available evidence is currently insufficient to determine the role of this variant in disease. Therefore, it has been classified as a Variant of Uncertain Significance.